The following is an entry in ClinVar:

NM_000392.5(ABCC2):c.2423G>C (p.Gly808Ala)

Gene: ABCC2 (ATP binding cassette subfamily C member 2; plus strand). Cytogenetic location: 10q24.2.
Variant type: single nucleotide variant.
Coding change: c.2423G>C on transcript NM_000392.5 (MANE Select); coding-DNA position 2423, G replaced by C.
Protein change: p.Gly808Ala; replaces glycine 808 with alanine.
Molecular consequence: missense variant.
Genome position (GRCh38, 1-based): chr10:99,818,941, G>C. VCF-style: chr10-99818941-G-C. GRCh37 (hg19) VCF-style: chr10-101578698-G-C.
Other names: short protein forms G808A.
Identifiers: ClinVar variation 4778217 (VCV004778217.1).

ClinVar aggregate classification (germline): Uncertain significance (1 of 4 stars; one submission).

gnomAD v4.1: 2 of 1,614,114 alleles (0.00012%); highest among the groups gnomAD compares: Non-Finnish European, 0.000085%; no homozygotes.

Submission:

Labcorp Genetics (formerly Invitae), Labcorp
Classification: Uncertain significance. Last evaluated: 2025-05-19. Review status: criteria provided, single submitter. Criteria: Invitae Variant Classification Sherloc (09022015). Collection method: clinical testing. Allele origin: germline.
Comment: This sequence change replaces glycine, which is neutral and non-polar, with alanine, which is neutral and non-polar, at codon 808 of the ABCC2 protein (p.Gly808Ala). This variant is not present in population databases (gnomAD no frequency). This variant has not been reported in the literature in individuals affected with ABCC2-related conditions. Invitae Evidence Modeling of protein sequence and biophysical properties (such as structural, functional, and spatial information, amino acid conservation, physicochemical variation, residue mobility, and thermodynamic stability) has been performed for this missense variant. However, the output from this modeling did not meet the statistical confidence thresholds required to predict the impact of this variant on ABCC2 protein function. In summary, the available evidence is currently insufficient to determine the role of this variant in disease. Therefore, it has been classified as a Variant of Uncertain Significance.